The following is an entry in ClinVar:

ClinVar aggregate classification (germline): Uncertain significance (1 of 4 stars; one submission).

Conditions:
X-linked Emery-Dreifuss muscular dystrophy. Also called: Muscular dystrophy, tardive Emery-Dreifuss type, with contractures. Identifiers: Orphanet 261, Orphanet 98863, MedGen C0751337, MONDO:0010680.

Allele frequency attached by ClinVar (database versions not stated): gnomAD exomes below 0.00001; ExAC 0.00001; gnomAD 0.00001; TOPMed 0.00003; ESP Exome Variant Server 0.00009.

Submission:

Labcorp Genetics (formerly Invitae), Labcorp
Classification: Uncertain significance for X-linked Emery-Dreifuss muscular dystrophy. Last evaluated: 2026-01-27. Review status: criteria provided, single submitter. Criteria: Invitae Variant Classification Sherloc (09022015). Collection method: clinical testing. Allele origin: germline.
Comment: This sequence change replaces lysine, which is basic and polar, with asparagine, which is neutral and polar, at codon 79 of the EMD protein (p.Lys79Asn). This variant is present in population databases (rs148202306, gnomAD 0.008%). This variant has not been reported in the literature in individuals affected with EMD-related conditions. ClinVar contains an entry for this variant (Variation ID: 2905884). Invitae Evidence Modeling of protein sequence and biophysical properties (such as structural, functional, and spatial information, amino acid conservation, physicochemical variation, residue mobility, and thermodynamic stability) indicates that this missense variant is not expected to disrupt EMD protein function with a negative predictive value of 80%. In summary, the available evidence is currently insufficient to determine the role of this variant in disease. Therefore, it has been classified as a Variant of Uncertain Significance.

NM_000117.3(EMD):c.237A>C (p.Lys79Asn)

Gene: EMD (emerin; plus strand). Cytogenetic location: Xq28.
Variant type: single nucleotide variant.
Coding change: c.237A>C on transcript NM_000117.3 (MANE Select); coding-DNA position 237, A replaced by C.
Protein change: p.Lys79Asn; replaces lysine 79 with asparagine.
Molecular consequence: missense variant.
Genome position (GRCh38, 1-based): chrX:154,379,991, A>C. VCF-style: chrX-154379991-A-C. GRCh37 (hg19) VCF-style: chrX-153608351-A-C.
Other names: short protein forms K79N.
Identifiers: ClinVar variation 2905884 (VCV002905884.3), dbSNP rs148202306, ClinGen allele CA10561547.